The following is an entry in ClinVar:

ClinVar aggregate classification (germline): Likely pathogenic (1 of 4 stars; one submission).

Conditions:
Smith-Lemli-Opitz syndrome (SLOS). Also called: LETHAL ACRODYSGENITAL SYNDROME; POLYDACTYLY, SEX REVERSAL, RENAL HYPOPLASIA, AND UNILOBAR LUNG; RSH SYNDROME; RUTLEDGE LETHAL MULTIPLE CONGENITAL ANOMALY SYNDROME; 7-Dehydrocholesterol reductase deficiency. Identifiers: Orphanet 818, MedGen C0175694, MONDO:0010035, OMIM 270400.

Submission:

Natera, Inc.
Classification: Likely pathogenic for Smith-Lemli-Opitz syndrome. Last evaluated: 2024-05-04. Review status: criteria provided, single submitter. Criteria: Natera Variant Classification Schema (03/2026). Collection method: clinical testing. Allele origin: germline.
Comment: The c.208_209delGG variant in DHCR7 is a frameshift variant predicted to shift the reading frame beginning at codon 70 and leads to a stop codon 46 codons downstream. This variant is expected to result in nonsense mediated decay, truncation, or a dysfunctional protein product. This variant is rare in the general population with a frequency below the threshold expected for the associated phenotype(s). Given the available evidence, this variant is classified as Likely Pathogenic.

NM_001360.3(DHCR7):c.208_209del (p.Gly70fs)

Gene: DHCR7 (7-dehydrocholesterol reductase; minus strand). Cytogenetic location: 11q13.4.
Variant type: Deletion.
Coding change: c.208_209del on transcript NM_001360.3 (MANE Select); coding-DNA positions 208 to 209, 2 bases deleted (GG; older notation c.208_209delGG).
Protein change: p.Gly70fs; shifts the reading frame from glycine 70.
Molecular consequence: frameshift variant.
Genome position (GRCh38, 1-based): chr11:71,444,105-71,444,106, CC deleted on the plus strand (GG on the coding strand, the reverse complement: DHCR7 is on the minus strand). VCF-style (leftmost placement, unchanged base first): chr11-71444104-GCC-G. GRCh37 (hg19) VCF-style: chr11-71155150-GCC-G.
Other names: c.208_209del, p.Gly70fs (NM_001163817.2, NM_001425107.1, NM_001425108.1 and 8 more transcripts); c.112_113del, p.Gly38fs (NM_001425113.1, NM_001425114.1, NM_001425116.1); c.34_35del, p.Gly12fs (NM_001425117.1); short protein forms G12fs, G38fs, G70fs.
Identifiers: ClinVar variation 4814817 (VCV004814817.1).